The following is an entry in ClinVar:

NM_000512.5(GALNS):c.13G>A (p.Val5Ile)

Genes: GALNS (galactosamine (N-acetyl)-6-sulfatase; minus strand), TRAPPC2L (trafficking protein particle complex subunit 2L; plus strand), LOC130059762 (ATAC-STARR-seq lymphoblastoid silent region 7883; plus strand). Cytogenetic location: 16q24.3.
Variant type: single nucleotide variant.
Coding change: c.13G>A on transcript NM_000512.5 (MANE Select); coding-DNA position 13, G replaced by A.
Protein change: p.Val5Ile; replaces valine 5 with isoleucine.
Molecular consequence: missense variant. On other transcripts: 5 prime UTR variant (2).
Genome position (GRCh38, 1-based): chr16:88,856,865, C>T on the plus strand (G>A on the coding strand, the complement: GALNS is on the minus strand). VCF-style: chr16-88856865-C-T. GRCh37 (hg19) VCF-style: chr16-88923273-C-T.
Other names: c.-419G>A (NM_001323543.2); c.-140G>A (NM_001323544.2); short protein forms V5I.
Identifiers: ClinVar variation 1441991 (VCV001441991.3), dbSNP rs1415400985, ClinGen allele CA397102215.

ClinVar aggregate classification (germline): Uncertain significance (1 of 4 stars; one submission).

Conditions:
Mucopolysaccharidosis, MPS-IV-A (MPS4A). Also called: MPS IVA; GALACTOSAMINE-6-SULFATASE DEFICIENCY; GALNS DEFICIENCY; MORQUIO A DISEASE; Morquio syndrome A, mild; MORQUIO SYNDROME A. Identifiers: Orphanet 309297, Orphanet 582, MedGen C0086651, MONDO:0009659, OMIM 253000.

Allele frequency attached by ClinVar (database versions not stated): gnomAD exomes below 0.00001; gnomAD 0.00001; TOPMed 0.00001.
gnomAD v4.1: 3 of 1,510,086 alleles (0.0002%); highest among the groups gnomAD compares: Non-Finnish European, 0.00026%; no homozygotes.

Submission:

Labcorp Genetics (formerly Invitae), Labcorp
Classification: Uncertain significance for Mucopolysaccharidosis, MPS-IV-A. Last evaluated: 2022-08-09. Review status: criteria provided, single submitter. Criteria: Invitae Variant Classification Sherloc (09022015). Collection method: clinical testing. Allele origin: germline.
Comment: This sequence change replaces valine, which is neutral and non-polar, with isoleucine, which is neutral and non-polar, at codon 5 of the GALNS protein (p.Val5Ile). This variant is not present in population databases (gnomAD no frequency). This variant has not been reported in the literature in individuals affected with GALNS-related conditions. ClinVar contains an entry for this variant (Variation ID: 1441991). Advanced modeling of protein sequence and biophysical properties (such as structural, functional, and spatial information, amino acid conservation, physicochemical variation, residue mobility, and thermodynamic stability) performed at Invitae indicates that this missense variant is not expected to disrupt GALNS protein function. In summary, the available evidence is currently insufficient to determine the role of this variant in disease. Therefore, it has been classified as a Variant of Uncertain Significance.